The following is an entry in ClinVar:

ClinVar aggregate classification (germline): Likely benign. Review status: criteria provided, multiple submitters, no conflicts (2 of 4 stars). 2 submissions from 2 submitters: Likely benign (2). Last evaluated 2026-09-01.

Submissions (2):

CeGaT Center for Human Genetics Tuebingen
Classification: Likely benign. Last evaluated: 2026-09-01. Review status: criteria provided, single submitter. Criteria: CeGaT Center For Human Genetics Tuebingen Variant Classification Criteria Version 2. Collection method: clinical testing. Allele origin: germline. Affected: yes. Observed: 2 variant alleles.
Comment: VPS50: BP4, BS2

Blueprint Genetics
Classification: Likely benign. Last evaluated: 2024-11-13. Review status: criteria provided, single submitter. Criteria: ACMG Guidelines, 2015. Collection method: clinical testing. Allele origin: germline.

NM_017667.4(VPS50):c.1585A>T (p.Asn529Tyr)

Gene: VPS50 (VPS50 subunit of EARP/GARPII complex; plus strand). Cytogenetic location: 7q21.3.
Variant type: single nucleotide variant.
Coding change: c.1585A>T on transcript NM_017667.4 (MANE Select); coding-DNA position 1585, A replaced by T.
Protein change: p.Asn529Tyr; replaces asparagine 529 with tyrosine.
Molecular consequence: missense variant.
Genome position (GRCh38, 1-based): chr7:93,305,960, A>T. VCF-style: chr7-93305960-A-T. GRCh37 (hg19) VCF-style: chr7-92935272-A-T.
Other names: c.1495A>T, p.Asn499Tyr (NM_001257998.2); short protein forms N499Y, N529Y.
Identifiers: ClinVar variation 4820787 (VCV004820787.5).